The following is an entry in ClinVar:

NM_020320.5(RARS2):c.695T>C (p.Leu232Pro)

Gene: RARS2 (arginyl-tRNA synthetase 2, mitochondrial; minus strand). Cytogenetic location: 6q15.
Variant type: single nucleotide variant.
Coding change: c.695T>C on transcript NM_020320.5 (MANE Select); coding-DNA position 695, T replaced by C.
Protein change: p.Leu232Pro; replaces leucine 232 with proline.
Molecular consequence: missense variant. On other transcripts: non-coding transcript variant (23).
Genome position (GRCh38, 1-based): chr6:87,530,860, A>G on the plus strand (T>C on the coding strand, the complement: RARS2 is on the minus strand). VCF-style: chr6-87530860-A-G. GRCh37 (hg19) VCF-style: chr6-88240578-A-G.
Other names: c.170T>C, p.Leu57Pro (NM_001318785.2, NM_001350506.2, NM_001350507.2 and 4 more transcripts); c.695T>C, p.Leu232Pro (NM_001350505.2); short protein forms L232P, L57P.
Identifiers: ClinVar variation 3903104 (VCV003903104.1).

ClinVar aggregate classification (germline): Uncertain significance (1 of 4 stars; one submission).

gnomAD v4.1: 1 of 1,614,112 alleles (0.000062%); highest among the groups gnomAD compares: Non-Finnish European, 0.000085%; no homozygotes.

Submission:

GeneDx
Classification: Uncertain significance. Last evaluated: 2024-12-15. Review status: criteria provided, single submitter. Criteria: GeneDx Variant Classification Process June 2021. Collection method: clinical testing. Allele origin: germline. Affected: yes.
Comment: Not observed at significant frequency in large population cohorts (gnomAD); In silico analysis indicates that this missense variant does not alter protein structure/function; Has not been previously published as pathogenic or benign to our knowledge